The following is an entry in ClinVar:

NM_001330078.2(NRXN1):c.785T>G (p.Val262Gly)

Gene: NRXN1 (neurexin 1; minus strand). Cytogenetic location: 2p16.3.
Variant type: single nucleotide variant.
Coding change: c.785T>G on transcript NM_001330078.2 (MANE Select); coding-DNA position 785, T replaced by G.
Protein change: p.Val262Gly; replaces valine 262 with glycine.
Molecular consequence: missense variant. On other transcripts: intron variant (6).
Genome position (GRCh38, 1-based): chr2:50,925,943, A>C on the plus strand (T>G on the coding strand, the complement: NRXN1 is on the minus strand). VCF-style: chr2-50925943-A-C. GRCh37 (hg19) VCF-style: chr2-51153081-A-C.
Other names: c.884T>G, p.Val295Gly (NM_001135659.3); c.785T>G, p.Val262Gly (NM_001330077.2, NM_001330081.2, NM_001330082.2 and 6 more transcripts); c.782T>G, p.Val261Gly (NM_001330079.2, NM_001330093.2); c.772+101559T>G (NM_001330096.2, NM_001330087.2, NM_001330083.2 and 1 more transcripts); c.773-3256T>G (NM_001330088.2, NM_001330089.2); short protein forms V261G, V262G, V295G.
Identifiers: ClinVar variation 4085366 (VCV004085366.8).
Genomic context (GRCh38, chr2:50,925,943, plus strand): 5'-TACTAAGAAATAAAGGACAAATGAGAGTTGGAAAAATAAGGTAGAAAGCACCCACCTTCC[A>C]CATTGTTGTCTTCTGAAAGCACATGACAAGGAGGGAGAGAAAAGGAAAAACATTCATTAA-3'
Protein context (NP_001317007.1, residues 252-272): GKDCSQEDNN[Val262Gly]EGLAHLMMGD

ClinVar aggregate classification (germline): Uncertain significance (1 of 4 stars; one submission).

Submission:

CeGaT Center for Human Genetics Tuebingen
Classification: Uncertain significance. Last evaluated: 2025-07-01. Review status: criteria provided, single submitter. Criteria: CeGaT Center For Human Genetics Tuebingen Variant Classification Criteria Version 2. Collection method: clinical testing. Allele origin: germline. Affected: yes. Observed: 1 variant allele.
Comment: NRXN1: PM2, BP4